The following is an entry in ClinVar:

NM_000089.4(COL1A2):c.2644C>T (p.Arg882Cys)

Gene: COL1A2 (collagen type I alpha 2 chain; plus strand). Cytogenetic location: 7q21.3.
Variant type: single nucleotide variant.
Coding change: c.2644C>T on transcript NM_000089.4 (MANE Select); coding-DNA position 2644, C replaced by T.
Protein change: p.Arg882Cys; replaces arginine 882 with cysteine.
Molecular consequence: missense variant.
Genome position (GRCh38, 1-based): chr7:94,424,414, C>T. VCF-style: chr7-94424414-C-T. GRCh37 (hg19) VCF-style: chr7-94053726-C-T.
Other names: c.2644C>T (NM_000089.3); short protein forms R882C.
Identifiers: ClinVar variation 1434992 (VCV001434992.9), dbSNP rs1204085246, ClinGen allele CA368224330.

ClinVar aggregate classification (germline): Uncertain significance. Review status: criteria provided, multiple submitters, no conflicts (2 of 4 stars). 2 submissions from 2 submitters: Uncertain significance (2). Last evaluated 2025-10-26.

Conditions:
Cardiovascular phenotype. Identifiers: MedGen CN230736.
Ehlers-Danlos syndrome, classic type, 1 (EDSCL1). Also called: EHLERS-DANLOS SYNDROME, GRAVIS TYPE; EHLERS-DANLOS SYNDROME, SEVERE CLASSIC TYPE; Ehlers-Danlos syndrome, type 1; Ehlers-Danlos Syndrome, Classic Type, COL5A1-Related; EDS I. Identifiers: MedGen C0268335, MONDO:0019567, OMIM 130000.
Osteogenesis imperfecta type I (OI1). Also called: OI, TYPE I; OSTEOGENESIS IMPERFECTA TARDA; OSTEOGENESIS IMPERFECTA WITH BLUE SCLERAE; Osteogenesis imperfecta type 1; Lobstein's Disease; Lobstein disease. Identifiers: Orphanet 216796, Orphanet 666, MedGen C0023931, MONDO:0008146, OMIM 166200. Disease mechanism: loss of function.

Allele frequency attached by ClinVar (database versions not stated): gnomAD exomes 0.00001; gnomAD 0.00003; TOPMed 0.00001.
gnomAD v4.1: 27 of 1,613,938 alleles (0.0017%); highest among the groups gnomAD compares: African/African-American, 0.0027%; no homozygotes.

Submissions (2):

Labcorp Genetics (formerly Invitae), Labcorp
Classification: Uncertain significance for Osteogenesis imperfecta type I; Ehlers-Danlos syndrome, classic type, 1. Last evaluated: 2025-10-26. Review status: criteria provided, single submitter. Criteria: Invitae Variant Classification Sherloc (09022015). Collection method: clinical testing. Allele origin: germline.
Comment: This sequence change replaces arginine, which is basic and polar, with cysteine, which is neutral and slightly polar, at codon 882 of the COL1A2 protein (p.Arg882Cys). This variant is present in population databases (no rsID available, gnomAD 0.002%). This variant has not been reported in the literature in individuals affected with COL1A2-related conditions. ClinVar contains an entry for this variant (Variation ID: 1434992). Invitae Evidence Modeling of protein sequence and biophysical properties (such as structural, functional, and spatial information, amino acid conservation, physicochemical variation, residue mobility, and thermodynamic stability) indicates that this missense variant is expected to disrupt COL1A2 protein function with a positive predictive value of 95%. In summary, the available evidence is currently insufficient to determine the role of this variant in disease. Therefore, it has been classified as a Variant of Uncertain Significance.

Ambry Genetics
Classification: Uncertain significance for Cardiovascular phenotype. Last evaluated: 2025-03-25. Review status: criteria provided, single submitter. Criteria: Ambry Variant Classification Scheme 2023. Collection method: clinical testing. Allele origin: germline.
Comment: The p.R882C variant (also known as c.2644C>T), located in coding exon 41 of the COL1A2 gene, results from a C to T substitution at nucleotide position 2644. The arginine at codon 882 is replaced by cysteine, an amino acid with highly dissimilar properties. This amino acid position is highly conserved in available vertebrate species. In addition, this alteration is predicted to be deleterious by in silico analysis. Based on the available evidence, the clinical significance of this variant remains unclear.